The following is an entry in ClinVar:

NM_003740.4(KCNK5):c.948C>T (p.Ser316=)

Gene: KCNK5 (potassium two pore domain channel subfamily K member 5; minus strand). Cytogenetic location: 6p21.2.
Variant type: single nucleotide variant.
Coding change: c.948C>T on transcript NM_003740.4 (MANE Select); coding-DNA position 948, C replaced by T.
Protein change: p.Ser316=; no amino-acid change (serine 316 retained).
Molecular consequence: synonymous variant.
Genome position (GRCh38, 1-based): chr6:39,191,442, G>A on the plus strand (C>T on the coding strand, the complement: KCNK5 is on the minus strand). VCF-style: chr6-39191442-G-A. GRCh37 (hg19) VCF-style: chr6-39159218-G-A.
Identifiers: ClinVar variation 2656531 (VCV002656531.24), dbSNP rs748043000, ClinGen allele CA3792751.

ClinVar aggregate classification (germline): Likely benign (1 of 4 stars; one submission).

Allele frequency attached by ClinVar (database versions not stated): ExAC 0.00001; gnomAD 0.00001.
gnomAD v4.1: 7 of 1,607,136 alleles (0.00044%); highest among the groups gnomAD compares: African/African-American, 0.0027%; no homozygotes.

Submission:

CeGaT Center for Human Genetics Tuebingen
Classification: Likely benign. Last evaluated: 2024-02-01. Review status: criteria provided, single submitter. Criteria: CeGaT Center For Human Genetics Tuebingen Variant Classification Criteria Version 2. Collection method: clinical testing. Allele origin: germline. Affected: yes. Observed: 1 variant allele.
Comment: KCNK5: BP4, BP7